The following is an entry in ClinVar:

ClinVar aggregate classification (germline): Uncertain significance (1 of 4 stars; one submission).

Conditions:
Meckel-Gruber syndrome. Also called: Dysencephalia splachnocystica; DYSENCEPHALIA SPLANCHNOCYSTICA; GRUBER SYNDROME. Identifiers: Orphanet 564, MedGen C0265215, MONDO:0018921.
Joubert syndrome. Also called: Familial aplasia of the vermis; JOUBERT-BOLTSHAUSER SYNDROME. Identifiers: Orphanet 475, MedGen C5979921, MONDO:0018772.

Allele frequency attached by ClinVar (database versions not stated): gnomAD exomes below 0.00001.
gnomAD v4.1: 1 of 1,554,754 alleles (0.000064%); highest among the groups gnomAD compares: Non-Finnish European, 0.000087%; no homozygotes.

Submission:

Labcorp Genetics (formerly Invitae), Labcorp
Classification: Uncertain significance for Joubert syndrome; Meckel-Gruber syndrome. Last evaluated: 2021-09-01. Review status: criteria provided, single submitter. Criteria: Invitae Variant Classification Sherloc (09022015). Collection method: clinical testing. Allele origin: germline.
Comment: This sequence change replaces glutamic acid with lysine at codon 20 of the CC2D2A protein (p.Glu20Lys). The glutamic acid residue is weakly conserved and there is a small physicochemical difference between glutamic acid and lysine. This variant is not present in population databases (ExAC no frequency). This variant has not been reported in the literature in individuals affected with CC2D2A-related conditions. Algorithms developed to predict the effect of missense changes on protein structure and function output the following: SIFT: "Tolerated"; PolyPhen-2: "Benign"; Align-GVGD: "Class C0". The lysine amino acid residue is found in multiple mammalian species, which suggests that this missense change does not adversely affect protein function. In summary, the available evidence is currently insufficient to determine the role of this variant in disease. Therefore, it has been classified as a Variant of Uncertain Significance.

NM_001378615.1(CC2D2A):c.58G>A (p.Glu20Lys)

Genes: FBXL5 (F-box and leucine rich repeat protein 5; minus strand), CC2D2A (coiled-coil and C2 domain containing 2A; plus strand). Cytogenetic location: 4p15.32.
Variant type: single nucleotide variant.
Coding change: c.58G>A on transcript NM_001378615.1 (MANE Select); coding-DNA position 58, G replaced by A.
Protein change: p.Glu20Lys; replaces glutamic acid 20 with lysine.
Molecular consequence: missense variant.
Genome position (GRCh38, 1-based): chr4:15,478,741, G>A. VCF-style: chr4-15478741-G-A. GRCh37 (hg19) VCF-style: chr4-15480365-G-A.
Other names: c.58G>A, p.Glu20Lys (NM_001080522.2, NM_001164720.3, NM_020785.2); short protein forms E20K.
Identifiers: ClinVar variation 962423 (VCV000962423.7), dbSNP rs1714407144, ClinGen allele CA356407097.